The following is an entry in ClinVar:

ClinVar aggregate classification (germline): Uncertain significance (1 of 4 stars; one submission).

Conditions:
Peroxisome biogenesis disorder. Identifiers: Orphanet 79189, MedGen C1832200, MONDO:0019234. Disease mechanism: loss of function.

Allele frequency attached by ClinVar (database versions not stated): gnomAD exomes below 0.00001.

Submission:

Labcorp Genetics (formerly Invitae), Labcorp
Classification: Uncertain significance for Peroxisome biogenesis disorder. Last evaluated: 2026-01-26. Review status: criteria provided, single submitter. Criteria: Invitae Variant Classification Sherloc (09022015). Collection method: clinical testing. Allele origin: germline.
Comment: This sequence change replaces leucine, which is neutral and non-polar, with proline, which is neutral and non-polar, at codon 77 of the PEX16 protein (p.Leu77Pro). This variant is not present in population databases (gnomAD no frequency). This variant has not been reported in the literature in individuals affected with PEX16-related conditions. ClinVar contains an entry for this variant (Variation ID: 1391503). Invitae Evidence Modeling of protein sequence and biophysical properties (such as structural, functional, and spatial information, amino acid conservation, physicochemical variation, residue mobility, and thermodynamic stability) indicates that this missense variant is not expected to disrupt PEX16 protein function with a negative predictive value of 80%. In summary, the available evidence is currently insufficient to determine the role of this variant in disease. Therefore, it has been classified as a Variant of Uncertain Significance.

NM_004813.4(PEX16):c.230T>C (p.Leu77Pro)

Gene: PEX16 (peroxisomal biogenesis factor 16; minus strand). Cytogenetic location: 11p11.2.
Variant type: single nucleotide variant.
Coding change: c.230T>C on transcript NM_004813.4 (MANE Select); coding-DNA position 230, T replaced by C.
Protein change: p.Leu77Pro; replaces leucine 77 with proline.
Molecular consequence: missense variant.
Genome position (GRCh38, 1-based): chr11:45,915,832, A>G on the plus strand (T>C on the coding strand, the complement: PEX16 is on the minus strand). VCF-style: chr11-45915832-A-G. GRCh37 (hg19) VCF-style: chr11-45937383-A-G.
Other names: c.230T>C, p.Leu77Pro (NM_057174.3); short protein forms L77P.
Identifiers: ClinVar variation 1391503 (VCV001391503.6), dbSNP rs2086828379, ClinGen allele CA380228933.